The following is an entry in ClinVar:

ClinVar aggregate classification (germline): Uncertain significance (1 of 4 stars; one submission).

Conditions:
Inborn genetic diseases. Identifiers: MedGen C0950123, MeSH D030342.

Submission:

Ambry Genetics
Classification: Uncertain significance for Inborn genetic diseases. Last evaluated: 2021-04-14. Review status: criteria provided, single submitter. Criteria: Ambry Variant Classification Scheme 2023. Collection method: clinical testing. Allele origin: germline.
Comment: The c.1957C>T (p.P653S) alteration is located in exon 16 (coding exon 15) of the VWF gene. This alteration results from a C to T substitution at nucleotide position 1957, causing the proline (P) at amino acid position 653 to be replaced by a serine (S). Based on data from the Genome Aggregation Database (gnomAD), the VWF c.1957C>T alteration was not observed, with coverage at this position. This amino acid position is not well conserved in available vertebrate species. The p.P653S alteration is predicted to be tolerated by in silico analysis. Based on insufficient or conflicting evidence, the clinical significance of this alteration remains unclear.

NM_000552.5(VWF):c.1957C>T (p.Pro653Ser)

Gene: VWF (von Willebrand factor; minus strand). Cytogenetic location: 12p13.31.
Variant type: single nucleotide variant.
Coding change: c.1957C>T on transcript NM_000552.5 (MANE Select); coding-DNA position 1957, C replaced by T.
Protein change: p.Pro653Ser; replaces proline 653 with serine.
Molecular consequence: missense variant.
Genome position (GRCh38, 1-based): chr12:6,052,772, G>A on the plus strand (C>T on the coding strand, the complement: VWF is on the minus strand). VCF-style: chr12-6052772-G-A. GRCh37 (hg19) VCF-style: chr12-6161938-G-A.
Other names: short protein forms P653S.
Identifiers: ClinVar variation 2230174 (VCV002230174.2), dbSNP rs2497207522, ClinGen allele CA383495554.
Genomic context (GRCh38, chr12:6,052,772, plus strand): 5'-AGAGAGAGCGGCAGGTCAGGTTGCAGGGGGTCCCGCACTGCAGGTACACCTGGCCTTTCG[G>A]GCAGTTCAGCTCTAGAAGAGAGAGGAGAAGTAAGGCCTCAGCGGGAATGTTGGACAGCAA-3'
Protein context (NP_000543.3, residues 643-663): REPGRCELNC[Pro653Ser]KGQVYLQCGT